The following is an entry in ClinVar:

NM_003797.5(EED):c.820A>G (p.Ile274Val)

Gene: EED (embryonic ectoderm development; plus strand). Cytogenetic location: 11q14.2.
Variant type: single nucleotide variant.
Coding change: c.820A>G on transcript NM_003797.5 (MANE Select); coding-DNA position 820, A replaced by G.
Protein change: p.Ile274Val; replaces isoleucine 274 with valine.
Molecular consequence: missense variant. On other transcripts: intron variant (1).
Genome position (GRCh38, 1-based): chr11:86,266,176, A>G. VCF-style: chr11-86266176-A-G. GRCh37 (hg19) VCF-style: chr11-85977218-A-G.
Other names: c.820A>G, p.Ile274Val (NM_001308007.2); c.726+1913A>G (NM_001330334.2); short protein forms I274V.
Identifiers: ClinVar variation 800180 (VCV000800180.13), dbSNP rs367891435, ClinGen allele CA6216508.
Genomic context (GRCh38, chr11:86,266,176, plus strand): 5'-TGTGGTATGGATCATTCTCTTAAACTTTGGAGGATCAATTCAAAGAGAATGATGAATGCA[A>G]TTAAGGAATCTTATGATTATAATCCAAATAAAACTAACAGGTAACAGTTGTGGTATTTGA-3'
Protein context (NP_003788.2, residues 264-284): RINSKRMMNA[Ile274Val]KESYDYNPNK

ClinVar aggregate classification (germline): Likely benign. Review status: criteria provided, multiple submitters, no conflicts (2 of 4 stars). 2 submissions from 2 submitters: Likely benign (2). Last evaluated 2026-01-01.

Conditions:
Cohen-Gibson syndrome (COGIS). Also called: EED-Related Overgrowth. Identifiers: Orphanet 659396, MedGen C4479654, MONDO:0060510, OMIM 617561.

Allele frequency attached by ClinVar (database versions not stated): ESP Exome Variant Server 0.00008; gnomAD exomes 0.00010 and 0.00017; ExAC 0.00012; 1000 Genomes Project 30x 0.00016; gnomAD 0.00016 and 0.00017; 1000 Genomes Project 0.00020; TOPMed 0.00020.
gnomAD v4.1: 179 of 1,604,584 alleles (0.011%); highest among the groups gnomAD compares: Admixed American, 0.024%; no homozygotes.

Submissions (2):

CeGaT Center for Human Genetics Tuebingen
Classification: Likely benign. Last evaluated: 2026-01-01. Review status: criteria provided, single submitter. Criteria: CeGaT Center For Human Genetics Tuebingen Variant Classification Criteria Version 2. Collection method: clinical testing. Allele origin: germline. Affected: yes. Observed: 1 variant allele.
Comment: EED: PP2, BS1

Labcorp Genetics (formerly Invitae), Labcorp
Classification: Likely benign for Cohen-Gibson syndrome. Last evaluated: 2024-07-30. Review status: criteria provided, single submitter. Criteria: Invitae Variant Classification Sherloc (09022015). Collection method: clinical testing. Allele origin: germline.